The following is an entry in ClinVar:

NM_006950.3(SYN1):c.91C>T (p.Pro31Ser)

Gene: SYN1 (synapsin I; minus strand). Cytogenetic location: Xp11.23.
Variant type: single nucleotide variant.
Coding change: c.91C>T on transcript NM_006950.3 (MANE Select); coding-DNA position 91, C replaced by T.
Protein change: p.Pro31Ser; replaces proline 31 with serine.
Molecular consequence: missense variant.
Genome position (GRCh38, 1-based): chrX:47,619,638, G>A on the plus strand (C>T on the coding strand, the complement: SYN1 is on the minus strand). VCF-style: chrX-47619638-G-A. GRCh37 (hg19) VCF-style: chrX-47479037-G-A.
Other names: c.91C>T, p.Pro31Ser (NM_133499.2); short protein forms P31S.
Identifiers: ClinVar variation 3721884 (VCV003721884.2).

ClinVar aggregate classification (germline): Uncertain significance (1 of 4 stars; one submission).

Conditions:
Epilepsy, X-linked 1, with variable learning disabilities and behavior disorders. Also called: X-linked epilepsy-learning disabilities-behavior disorders syndrome. Identifiers: Orphanet 85294, MedGen C5774177, MONDO:0010339, OMIM 300491.

gnomAD v4.1: 1 of 1,160,698 alleles (0.000086%); highest among the groups gnomAD compares: Non-Finnish European, 0.00012%; no homozygotes.

Submission:

Labcorp Genetics (formerly Invitae), Labcorp
Classification: Uncertain significance for Epilepsy, X-linked 1, with variable learning disabilities and behavior disorders. Last evaluated: 2024-09-30. Review status: criteria provided, single submitter. Criteria: Invitae Variant Classification Sherloc (09022015). Collection method: clinical testing. Allele origin: germline.
Comment: This sequence change replaces proline, which is neutral and non-polar, with serine, which is neutral and polar, at codon 31 of the SYN1 protein (p.Pro31Ser). This variant is not present in population databases (gnomAD no frequency). This variant has not been reported in the literature in individuals affected with SYN1-related conditions. An algorithm developed to predict the effect of missense changes on protein structure and function (PolyPhen-2) suggests that this variant is likely to be tolerated. In summary, the available evidence is currently insufficient to determine the role of this variant in disease. Therefore, it has been classified as a Variant of Uncertain Significance.